The following is an entry in ClinVar:

NM_002335.4(LRP5):c.2948A>T (p.Asp983Val)

Gene: LRP5 (LDL receptor related protein 5; plus strand). Cytogenetic location: 11q13.2.
Variant type: single nucleotide variant.
Coding change: c.2948A>T on transcript NM_002335.4 (MANE Select); coding-DNA position 2948, A replaced by T.
Protein change: p.Asp983Val; replaces aspartic acid 983 with valine.
Molecular consequence: missense variant.
Genome position (GRCh38, 1-based): chr11:68,416,448, A>T. VCF-style: chr11-68416448-A-T. GRCh37 (hg19) VCF-style: chr11-68183916-A-T.
Other names: c.1205A>T, p.Asp402Val (NM_001291902.2); short protein forms D402V, D983V.
Identifiers: ClinVar variation 2791573 (VCV002791573.3), dbSNP rs1368218947, ClinGen allele CA381619882.

ClinVar aggregate classification (germline): Uncertain significance (1 of 4 stars; one submission).

Allele frequency attached by ClinVar (database versions not stated): TOPMed below 0.00001; gnomAD 0.00001.
gnomAD v4.1: 2 of 1,614,042 alleles (0.00012%); highest among the groups gnomAD compares: Non-Finnish European, 0.00017%; no homozygotes.

Submission:

Labcorp Genetics (formerly Invitae), Labcorp
Classification: Uncertain significance. Last evaluated: 2023-01-15. Review status: criteria provided, single submitter. Criteria: Invitae Variant Classification Sherloc (09022015). Collection method: clinical testing. Allele origin: germline.
Comment: This variant is present in population databases (no rsID available, gnomAD 0.0009%). This sequence change replaces aspartic acid, which is acidic and polar, with valine, which is neutral and non-polar, at codon 983 of the LRP5 protein (p.Asp983Val). This variant has not been reported in the literature in individuals affected with LRP5-related conditions. In summary, the available evidence is currently insufficient to determine the role of this variant in disease. Therefore, it has been classified as a Variant of Uncertain Significance. Advanced modeling of protein sequence and biophysical properties (such as structural, functional, and spatial information, amino acid conservation, physicochemical variation, residue mobility, and thermodynamic stability) has been performed at Invitae for this missense variant, however the output from this modeling did not meet the statistical confidence thresholds required to predict the impact of this variant on LRP5 protein function.